The following is an entry in ClinVar:

NM_000215.4(JAK3):c.446G>C (p.Arg149Pro)

Gene: JAK3 (Janus kinase 3; minus strand). Cytogenetic location: 19p13.11.
Variant type: single nucleotide variant.
Coding change: c.446G>C on transcript NM_000215.4 (MANE Select); coding-DNA position 446, G replaced by C.
Protein change: p.Arg149Pro; replaces arginine 149 with proline.
Molecular consequence: missense variant.
Genome position (GRCh38, 1-based): chr19:17,843,147, C>G on the plus strand (G>C on the coding strand, the complement: JAK3 is on the minus strand). VCF-style: chr19-17843147-C-G. GRCh37 (hg19) VCF-style: chr19-17953956-C-G.
Other names: short protein forms R149P.
Identifiers: ClinVar variation 574258 (VCV000574258.8), dbSNP rs774941503, ClinGen allele CA404773375.
Genomic context (GRCh38, chr19:17,843,147, plus strand): 5'-TCCAACACGGCCAGGCTGAGACACTCACCCTGCTCCTTGAGACTGAGGCCCACGGGGAGG[C>G]GCCCACTCACCAGGTCACTGCGGTGCTGGGGGGCCGCCACAGGGAGCATCAGCTGAGGCC-3'
Protein context (NP_000206.2, residues 139-159): AQHRSDLVSG[Arg149Pro]LPVGLSLKEQ

ClinVar aggregate classification (germline): Uncertain significance (1 of 4 stars; one submission).

Conditions:
T-B+ severe combined immunodeficiency due to JAK3 deficiency. Also called: SCID, T CELL-NEGATIVE, B CELL-POSITIVE, NK CELL-NEGATIVE; SCID, autosomal recessive, T-negative/B-positive type. Identifiers: Orphanet 35078, MedGen C1833275, MONDO:0010938, OMIM 600802.

gnomAD v4.1: 1 of 1,607,196 alleles (0.000062%); highest among the groups gnomAD compares: Non-Finnish European, 0.000085%; no homozygotes.

Submission:

Labcorp Genetics (formerly Invitae), Labcorp
Classification: Uncertain significance for T-B+ severe combined immunodeficiency due to JAK3 deficiency. Last evaluated: 2018-05-22. Review status: criteria provided, single submitter. Criteria: Invitae Variant Classification Sherloc (09022015). Collection method: clinical testing. Allele origin: germline.
Comment: In summary, the available evidence is currently insufficient to determine the role of this variant in disease. Therefore, it has been classified as a Variant of Uncertain Significance. Algorithms developed to predict the effect of missense changes on protein structure and function are either unavailable or do not agree on the potential impact of this missense change (SIFT: "Tolerated"; PolyPhen-2: "Possibly Damaging"; Align-GVGD: "Class C0"). This variant has not been reported in the literature in individuals with JAK3-related disease. This variant is not present in population databases (ExAC no frequency). This sequence change replaces arginine with proline at codon 149 of the JAK3 protein (p.Arg149Pro). The arginine residue is moderately conserved and there is a moderate physicochemical difference between arginine and proline.